The following is an entry in ClinVar:

ClinVar aggregate classification (germline): Likely benign. Review status: criteria provided, multiple submitters, no conflicts (2 of 4 stars). 3 submissions from 3 submitters: Likely benign (3). Last evaluated 2025-01-17.

Conditions:
Familial cancer of breast. Also called: BREAST CANCER, FAMILIAL; Hereditary breast cancer; hereditary breast carcinoma. Identifiers: Orphanet 227535, MedGen C0346153, MONDO:0016419, OMIM 114480. Disease mechanism: loss of function.

Submissions (3):

Myriad Genetics, Inc.
Classification: Likely benign for Familial cancer of breast. Last evaluated: 2025-01-17. Review status: criteria provided, single submitter. Criteria: Myriad Autosomal Dominant, Autosomal Recessive and X-Linked Classification Criteria (2023). Collection method: clinical testing. Allele origin: unknown.
Comment: This variant is considered likely benign. This variant is intronic and is not expected to impact mRNA splicing.

Labcorp Genetics (formerly Invitae), Labcorp
Classification: Likely benign for Familial cancer of breast. Last evaluated: 2024-05-18. Review status: criteria provided, single submitter. Criteria: Invitae Variant Classification Sherloc (09022015). Collection method: clinical testing. Allele origin: germline.

GeneDx
Classification: Likely benign. Last evaluated: 2017-03-24. Review status: criteria provided, single submitter. Criteria: GeneDx Variant Classification (06012015). Collection method: clinical testing. Allele origin: germline. Affected: yes.
Comment: This variant is considered likely benign or benign based on one or more of the following criteria: it is a conservative change, it occurs at a poorly conserved position in the protein, it is predicted to be benign by multiple in silico algorithms, and/or has population frequency not consistent with disease.

NM_024675.4(PALB2):c.2835-9T>C

Gene: PALB2 (partner and localizer of BRCA2; minus strand). Cytogenetic location: 16p12.2.
Variant type: single nucleotide variant.
Coding change: c.2835-9T>C on transcript NM_024675.4 (MANE Select); 9 bases into the intron before coding-DNA position 2835, T replaced by C.
Molecular consequence: intron variant.
Genome position (GRCh38, 1-based): chr16:23,623,139, A>G on the plus strand (T>C on the coding strand, the complement: PALB2 is on the minus strand). VCF-style: chr16-23623139-A-G. GRCh37 (hg19) VCF-style: chr16-23634460-A-G.
Identifiers: ClinVar variation 682811 (VCV000682811.10), dbSNP rs1597081630, ClinGen allele CA915949171.